The following is an entry in ClinVar:

NM_003190.5(TAPBP):c.128G>A (p.Gly43Asp)

Gene: TAPBP (TAP binding protein; minus strand). Cytogenetic location: 6p21.32.
Variant type: single nucleotide variant.
Coding change: c.128G>A on transcript NM_003190.5 (MANE Select); coding-DNA position 128, G replaced by A.
Protein change: p.Gly43Asp; replaces glycine 43 with aspartic acid.
Molecular consequence: missense variant.
Genome position (GRCh38, 1-based): chr6:33,313,774, C>T on the plus strand (G>A on the coding strand, the complement: TAPBP is on the minus strand). VCF-style: chr6-33313774-C-T. GRCh37 (hg19) VCF-style: chr6-33281551-C-T.
Other names: c.128G>A, p.Gly43Asp (NM_172208.3, NM_172209.3); short protein forms G43D.
Identifiers: ClinVar variation 1520253 (VCV001520253.8), dbSNP rs2150975942, ClinGen allele CA363622693.

ClinVar aggregate classification (germline): Uncertain significance (1 of 4 stars; one submission).

Conditions:
MHC class I deficiency. Identifiers: Orphanet 34592, MedGen C6024714, MONDO:0011476.

Submission:

Labcorp Genetics (formerly Invitae), Labcorp
Classification: Uncertain significance for MHC class I deficiency 1. Last evaluated: 2024-07-29. Review status: criteria provided, single submitter. Criteria: Invitae Variant Classification Sherloc (09022015). Collection method: clinical testing. Allele origin: germline.
Comment: This sequence change replaces glycine, which is neutral and non-polar, with aspartic acid, which is acidic and polar, at codon 43 of the TAPBP protein (p.Gly43Asp). This variant is not present in population databases (gnomAD no frequency). This variant has not been reported in the literature in individuals affected with TAPBP-related conditions. ClinVar contains an entry for this variant (Variation ID: 1520253). An algorithm developed to predict the effect of missense changes on protein structure and function (PolyPhen-2) suggests that this variant is likely to be disruptive. In summary, the available evidence is currently insufficient to determine the role of this variant in disease. Therefore, it has been classified as a Variant of Uncertain Significance.